The following is an entry in ClinVar:

NM_000059.4(BRCA2):c.6496G>C (p.Val2166Leu)

Gene: BRCA2 (BRCA2 DNA repair associated; plus strand). Cytogenetic location: 13q13.1.
Variant type: single nucleotide variant.
Coding change: c.6496G>C on transcript NM_000059.4 (MANE Select); coding-DNA position 6496, G replaced by C.
Protein change: p.Val2166Leu; replaces valine 2166 with leucine.
Molecular consequence: missense variant.
Genome position (GRCh38, 1-based): chr13:32,340,851, G>C. VCF-style: chr13-32340851-G-C. GRCh37 (hg19) VCF-style: chr13-32914988-G-C.
Other names: short protein forms V2166L.
Identifiers: ClinVar variation 433805 (VCV000433805.14), dbSNP rs750084851, ClinGen allele CA387789529.

ClinVar aggregate classification (germline): Conflicting classifications of pathogenicity. Review status: criteria provided, conflicting classifications (1 of 4 stars). 5 submissions from 5 submitters: Uncertain significance (3); Likely benign (1). 1 of the submissions does not count toward it. Last evaluated 2024-09-20.

Conditions:
Hereditary cancer-predisposing syndrome. Also called: Hereditary Cancer Syndrome; Hereditary neoplastic syndrome; Neoplastic Syndromes, Hereditary; Tumor predisposition. Identifiers: Orphanet 140162, MedGen C0027672, MeSH D009386, MONDO:0015356.
Hereditary breast ovarian cancer syndrome. Also called: Hereditary breast and ovarian cancer syndrome (HBOC); Breast and ovarian cancer; BRCA1- and BRCA2-Associated Hereditary Breast and Ovarian Cancer; Hereditary breast and/or ovarian cancer syndrome; Hereditary breast and ovarian cancer; Hereditary breast and ovarian cancer syndrome. Identifiers: Orphanet 145, MedGen C0677776, MeSH D061325, MONDO:0003582. Disease mechanism: loss of function.
Malignant tumor of breast. Also called: Malignant breast neoplasm; Cancer breast. Identifiers: MedGen C0006142, MONDO:0007254. Disease mechanism: loss of function.

Submissions (5):

Ambry Genetics
Classification: Uncertain significance for Hereditary cancer-predisposing syndrome. Last evaluated: 2024-09-20. Review status: criteria provided, single submitter. Criteria: Ambry Variant Classification Scheme 2023. Collection method: clinical testing. Allele origin: germline.
Comment: The p.V2166L variant (also known as c.6496G>C), located in coding exon 10 of the BRCA2 gene, results from a G to C substitution at nucleotide position 6496. The valine at codon 2166 is replaced by leucine, an amino acid with highly similar properties. A similar variant with a different nucleotide change (c.6496G>T also designated as 6724G>T) but identical protein impact (p.V2166L) has been reported in multiple individuals with features consistent with hereditary breast and ovarian cancer (HBOC) (Concolino P et al. Int J Mol Sci, 2019 Jul;20:; Park JS et al. Cancer Res Treat, 2017 Oct;49:1012-1021; Shin S et al. Breast Cancer Res Treat, 2016 Aug;158:433-40; Kim BY et al. Biochem Biophys Res Commun, 2006 Oct;349:604-10; Han SH et al. Clin Genet, 2006 Dec;70:496-501). This amino acid position is not well conserved in available vertebrate species. In addition, this alteration is predicted to be tolerated by in silico analysis. Based on the available evidence, the clinical significance of this variant remains unclear.

University of Washington Department of Laboratory Medicine, University of Washington
Classification: Likely benign for Hereditary cancer-predisposing syndrome. Last evaluated: 2023-03-23. Review status: criteria provided, single submitter. Criteria: Dines et al. (Genet Med. 2020). Collection method: curation. Allele origin: germline.
Comment: Missense variant in a coldspot region where missense variants are very unlikely to be pathogenic (PMID:31911673).

BRCA2 exon 11 coldspot. Reclassification based on statistical prior probability.

Labcorp Genetics (formerly Invitae), Labcorp
Classification: Uncertain significance for Hereditary breast ovarian cancer syndrome. Last evaluated: 2021-08-27. Review status: criteria provided, single submitter. Criteria: Invitae Variant Classification Sherloc (09022015). Collection method: clinical testing. Allele origin: germline.
Comment: This sequence change replaces valine with leucine at codon 2166 of the BRCA2 protein (p.Val2166Leu). The valine residue is weakly conserved and there is a small physicochemical difference between valine and leucine. This variant is not present in population databases (ExAC no frequency). This variant has not been reported in the literature in individuals affected with BRCA2-related conditions. ClinVar contains an entry for this variant (Variation ID: 433805). Algorithms developed to predict the effect of missense changes on protein structure and function output the following: SIFT: "Tolerated"; PolyPhen-2: "Benign"; Align-GVGD: "Class C0". The leucine amino acid residue is found in multiple mammalian species, which suggests that this missense change does not adversely affect protein function. In summary, the available evidence is currently insufficient to determine the role of this variant in disease. Therefore, it has been classified as a Variant of Uncertain Significance.

Color Diagnostics, LLC DBA Color Health
Classification: Uncertain significance for Hereditary cancer-predisposing syndrome. Last evaluated: 2019-04-14. Review status: criteria provided, single submitter. Criteria: ACMG Guidelines, 2015. Collection method: clinical testing. Allele origin: germline.

Department of Pathology and Laboratory Medicine, Sinai Health System
Classification: Uncertain significance for Malignant tumor of breast. Review status: no assertion criteria provided. Collection method: clinical testing. Allele origin: unknown. Affected: yes. Observed: 1 variant allele. Study: The Canadian Open Genetics Repository (COGR). Not counted in ClinVar's aggregate classification.
Comment: The BRCA2 p.Val2166Leu variant was identified in the literature in 2 of 3626 proband chromosomes (frequency: 0.001) from individuals with breast cancer (Han 2006, Kim 2006); however, the variant identified in these studies had a different nucleotide change (c.6496G>T) resulting in the same amino acid change. The variant was not identified in the dbSNP, HGMD, NHLBI Exome Sequencing Project (Exome Variant Server), LOVD, COSMIC, UMD, ClinVar, or BIC databases. The variant occurs outside of the splicing consensus sequence and in silico or computational prediction software programs (SpliceSiteFinder, MaxEntScan, NNSPLICE, GeneSplicer, HumanSpliceFinder) do not predict a difference in splicing.The p.Val2166 residue is not conserved in mammals and the variant amino acid leucine (Leu) is present in dog and opossum, increasing the likelihood that this variant does not have clinical significance. Computational analyses (PolyPhen-2, SIFT, AlignGVGD, BLOSUM, MutationTaster) do not suggest a high likelihood of impact to the protein; however, this information is not predictive enough to rule out pathogenicity. In summary, based on the above information, the clinical significance of this variant cannot be determined with certainty at this time. This variant is classified as a variant of unknown significance.

Literature cited by the submitters: PubMed 16949048 (cited by Ambry Genetics); PubMed 17100994 (cited by Ambry Genetics); PubMed 27383479 (cited by Ambry Genetics); PubMed 28111427 (cited by Ambry Genetics); PubMed 31336956 (cited by Ambry Genetics).